The following is an entry in ClinVar:

NM_004115.4(FGF14):c.423del (p.Glu142fs)

Gene: FGF14 (fibroblast growth factor 14; minus strand). Cytogenetic location: 13q33.1.
Variant type: Deletion.
Coding change: c.423del on transcript NM_004115.4 (MANE Select); coding-DNA position 423, one base deleted (T; older notation c.423delT).
Protein change: p.Glu142fs; shifts the reading frame from glutamic acid 142.
Molecular consequence: frameshift variant.
Genome position (GRCh38, 1-based): chr13:101,726,796, A deleted on the plus strand (T on the coding strand, the reverse complement: FGF14 is on the minus strand). VCF-style (leftmost placement, unchanged base first): chr13-101726795-CA-C. GRCh37 (hg19) VCF-style: chr13-102379145-CA-C.
Other names: c.171del, p.Glu58fs (NM_001321931.1, NM_001321934.1, NM_001321935.1 and 4 more transcripts); c.234del, p.Glu79fs (NM_001321932.1, NM_001321936.1, NM_001321944.1); c.243del, p.Glu82fs (NM_001321933.1, NM_001321938.2, NM_001321940.1); c.327del, p.Glu110fs (NM_001321939.2); c.237del, p.Glu80fs (NM_001321941.2); c.321del, p.Glu108fs (NM_001321945.2, NM_001321948.2, NM_001379342.1); c.282del, p.Glu95fs (NM_001321947.2); c.438del, p.Glu147fs (NM_175929.3); short protein forms E108fs, E110fs, E142fs, E147fs, E58fs, E79fs, E80fs, E82fs.
Identifiers: ClinVar variation 2570871 (VCV002570871.28), dbSNP rs2548901839, ClinGen allele CA2575449115.

ClinVar aggregate classification (germline): Pathogenic/Likely pathogenic. Review status: criteria provided, multiple submitters, no conflicts (2 of 4 stars). 2 submissions from 2 submitters: Pathogenic (1); Likely pathogenic (1). Last evaluated 2025-09-01.

Conditions:
Spinocerebellar ataxia 27A. Also called: VESTIBULOCEREBELLAR DISORDER WITH PREDOMINANT OCULAR SIGNS. Identifiers: MedGen CN031884, MONDO:0008654, OMIM 193003.

Submissions (2):

CeGaT Center for Human Genetics Tuebingen
Classification: Pathogenic. Last evaluated: 2025-09-01. Review status: criteria provided, single submitter. Criteria: CeGaT Center For Human Genetics Tuebingen Variant Classification Criteria Version 2. Collection method: clinical testing. Allele origin: germline. Affected: yes. Observed: 3 variant alleles.
Comment: FGF14: PVS1, PM2

Clinical Genetics and Genomics, Karolinska University Hospital
Classification: Likely pathogenic for Spinocerebellar ataxia 27A. Last evaluated: 2025-07-24. Review status: criteria provided, single submitter. Criteria: ACMG Guidelines, 2015. Collection method: clinical testing. Allele origin: germline. Inheritance: Autosomal dominant inheritance. Affected: yes.